The following is an entry in ClinVar:

ClinVar aggregate classification (germline): Uncertain significance. Review status: criteria provided, multiple submitters, no conflicts (2 of 4 stars). 2 submissions from 2 submitters: Uncertain significance (2). Last evaluated 2023-12-06.

Allele frequency attached by ClinVar (database versions not stated): TOPMed below 0.00001; gnomAD 0.00005.
gnomAD v4.1: 5 of 1,209,037 alleles (0.00041%); highest among the groups gnomAD compares: African/African-American, 0.0087%; no homozygotes.

Submissions (2):

Labcorp Genetics (formerly Invitae), Labcorp
Classification: Uncertain significance. Last evaluated: 2023-12-06. Review status: criteria provided, single submitter. Criteria: Invitae Variant Classification Sherloc (09022015). Collection method: clinical testing. Allele origin: germline.
Comment: This sequence change replaces isoleucine, which is neutral and non-polar, with valine, which is neutral and non-polar, at codon 1316 of the USP9X protein (p.Ile1316Val). This variant is present in population databases (no rsID available, gnomAD 0.05%). This variant has not been reported in the literature in individuals affected with USP9X-related conditions. ClinVar contains an entry for this variant (Variation ID: 1925229). An algorithm developed to predict the effect of missense changes on protein structure and function (PolyPhen-2) suggests that this variant is likely to be tolerated. In summary, the available evidence is currently insufficient to determine the role of this variant in disease. Therefore, it has been classified as a Variant of Uncertain Significance.

Revvity Omics, Revvity
Classification: Uncertain significance. Last evaluated: 2022-04-07. Review status: criteria provided, single submitter. Criteria: ACMG Guidelines, 2015. Collection method: clinical testing. Allele origin: germline.

NM_001039591.3(USP9X):c.3946A>G (p.Ile1316Val)

Gene: USP9X (ubiquitin specific peptidase 9 X-linked; plus strand). Cytogenetic location: Xp11.4.
Variant type: single nucleotide variant.
Coding change: c.3946A>G on transcript NM_001039591.3 (MANE Select); coding-DNA position 3946, A replaced by G.
Protein change: p.Ile1316Val; replaces isoleucine 1316 with valine.
Molecular consequence: missense variant.
Genome position (GRCh38, 1-based): chrX:41,189,444, A>G. VCF-style: chrX-41189444-A-G. GRCh37 (hg19) VCF-style: chrX-41048697-A-G.
Other names: c.3946A>G, p.Ile1316Val (NM_001039590.3); c.3961A>G, p.Ile1321Val (NM_001410748.1, NM_001410749.1); short protein forms I1316V, I1321V.
Identifiers: ClinVar variation 1925229 (VCV001925229.8), dbSNP rs1470257338, ClinGen allele CA412769089.